The following is an entry in ClinVar:

ClinVar aggregate classification (germline): Conflicting classifications of pathogenicity. Review status: criteria provided, conflicting classifications (1 of 4 stars). 5 submissions from 5 submitters: Uncertain significance (4); Likely benign (1). Last evaluated 2026-08-07.

Conditions:
Bethlem myopathy 1A. Also called: Bethlem myopathy 1; Bethlem Muscular Dystrophy; MYOPATHY, BENIGN CONGENITAL, WITH CONTRACTURES. Identifiers: Orphanet 610, MedGen CN029274, MONDO:0024530, OMIM 158810.

Allele frequency attached by ClinVar (database versions not stated): gnomAD 0.00005; TOPMed 0.00005; ESP Exome Variant Server 0.00008.
gnomAD v4.1: 90 of 1,613,102 alleles (0.0056%); highest among the groups gnomAD compares: Middle Eastern, 0.049%; no homozygotes.

Submissions (5):

GeneDx
Classification: Uncertain significance. Last evaluated: 2026-08-07. Review status: criteria provided, single submitter. Criteria: GeneDx Variant Classification Process June 2021. Collection method: clinical testing. Allele origin: germline.
Comment: Reported in the heterozygous state in an individual with clinical suspicion of limb-girdle muscular dystrophy; however, segregation and detailed clinical information were not provided (PMID: 30564623); In silico analysis suggests that this missense variant does not alter protein structure/function; This variant is associated with the following publications: (PMID: 30564623)

Labcorp Genetics (formerly Invitae), Labcorp
Classification: Likely benign for Bethlem myopathy 1A. Last evaluated: 2025-10-28. Review status: criteria provided, single submitter. Criteria: Invitae Variant Classification Sherloc (09022015). Collection method: clinical testing. Allele origin: germline.

CeGaT Center for Human Genetics Tuebingen
Classification: Uncertain significance. Last evaluated: 2023-01-01. Review status: criteria provided, single submitter. Criteria: CeGaT Center For Human Genetics Tuebingen Variant Classification Criteria Version 2. Collection method: clinical testing. Allele origin: germline. Affected: yes. Observed: 1 variant allele.
Comment: COL6A2: PM2, BP4

Revvity Omics, Revvity
Classification: Uncertain significance. Last evaluated: 2020-11-17. Review status: criteria provided, single submitter. Criteria: ACMG Guidelines, 2015. Collection method: clinical testing. Allele origin: germline.

Eurofins Ntd Llc (ga)
Classification: Uncertain significance. Last evaluated: 2016-06-03. Review status: criteria provided, single submitter. Criteria: EGL Classification Definitions 2015. Collection method: clinical testing. Allele origin: germline. Observed: 1 variant allele, 1 heterozygote.

NM_001849.4(COL6A2):c.2171G>T (p.Arg724Leu)

Gene: COL6A2 (collagen type VI alpha 2 chain; plus strand). Cytogenetic location: 21q22.3.
Variant type: single nucleotide variant.
Coding change: c.2171G>T on transcript NM_001849.4 (MANE Select); coding-DNA position 2171, G replaced by T.
Protein change: p.Arg724Leu; replaces arginine 724 with leucine.
Molecular consequence: missense variant.
Genome position (GRCh38, 1-based): chr21:46,125,986, G>T. VCF-style: chr21-46125986-G-T. GRCh37 (hg19) VCF-style: chr21-47545900-G-T.
Other names: c.2171G>T, p.Arg724Leu (NM_058174.3, NM_058175.3); short protein forms R724L.
Identifiers: ClinVar variation 288448 (VCV000288448.47), dbSNP rs145450812, ClinGen allele CA10072458.